The following is an entry in ClinVar:

NM_000038.6(APC):c.2519G>C (p.Ser840Thr)

Gene: APC (APC regulator of Wnt signaling pathway; plus strand). Cytogenetic location: 5q22.2.
Variant type: single nucleotide variant.
Coding change: c.2519G>C on transcript NM_000038.6 (MANE Select); coding-DNA position 2519, G replaced by C.
Protein change: p.Ser840Thr; replaces serine 840 with threonine.
Molecular consequence: missense variant.
Genome position (GRCh38, 1-based): chr5:112,838,113, G>C. VCF-style: chr5-112838113-G-C. GRCh37 (hg19) VCF-style: chr5-112173810-G-C.
Other names: c.2039G>C, p.Ser680Thr (NM_001354905.2); c.1670G>C, p.Ser557Thr (NM_001354906.2); c.2519G>C, p.Ser840Thr (NM_001127510.3, NM_001354895.2); c.2465G>C, p.Ser822Thr (NM_001127511.3); c.2573G>C, p.Ser858Thr (NM_001354896.2); c.2549G>C, p.Ser850Thr (NM_001354897.2); c.2444G>C, p.Ser815Thr (NM_001354898.2); c.2435G>C, p.Ser812Thr (NM_001354899.2); and 5 more; short protein forms S781T, S815T, S557T, S739T, S680T, S749T, S812T, S840T.
Identifiers: ClinVar variation 647325 (VCV000647325.13), dbSNP rs1580623420, ClinGen allele CA16026849.

ClinVar aggregate classification (germline): Uncertain significance. Review status: criteria provided, multiple submitters, no conflicts (2 of 4 stars). 2 submissions from 2 submitters: Uncertain significance (2). Last evaluated 2025-06-10.

Conditions:
Hereditary cancer-predisposing syndrome. Also called: Hereditary Cancer Syndrome; Tumor predisposition; Hereditary neoplastic syndrome; Neoplastic Syndromes, Hereditary. Identifiers: Orphanet 140162, MedGen C0027672, MeSH D009386, MONDO:0015356.
Familial adenomatous polyposis 1 (FAP1). Also called: FAMILIAL ADENOMATOUS POLYPOSIS 1, ATTENUATED; POLYPOSIS, ADENOMATOUS INTESTINAL. Identifiers: MedGen C2713442, MONDO:0021056, OMIM 175100. Disease mechanism: loss of function.

Submissions (2):

Ambry Genetics
Classification: Uncertain significance for Hereditary cancer-predisposing syndrome. Last evaluated: 2025-06-10. Review status: criteria provided, single submitter. Criteria: Ambry Variant Classification Scheme 2023. Collection method: clinical testing. Allele origin: germline.
Comment: The p.S840T variant (also known as c.2519G>C), located in coding exon 15 of the APC gene, results from a G to C substitution at nucleotide position 2519. The serine at codon 840 is replaced by threonine, an amino acid with similar properties. This amino acid position is not well conserved in available vertebrate species. In addition, in silico predictors for this gene do not accurately predict pathogenicity. Missense alterations in APC are not a common cause of disease (Spier I et al. Genet Med. 2024 Feb;26(2):100992). Based on the available evidence, the clinical significance of this variant remains unclear.

Labcorp Genetics (formerly Invitae), Labcorp
Classification: Uncertain significance for Familial adenomatous polyposis 1. Last evaluated: 2024-04-22. Review status: criteria provided, single submitter. Criteria: Invitae Variant Classification Sherloc (09022015). Collection method: clinical testing. Allele origin: germline.
Comment: This sequence change replaces serine, which is neutral and polar, with threonine, which is neutral and polar, at codon 840 of the APC protein (p.Ser840Thr). This variant is not present in population databases (gnomAD no frequency). This variant has not been reported in the literature in individuals affected with APC-related conditions. ClinVar contains an entry for this variant (Variation ID: 647325). Advanced modeling of protein sequence and biophysical properties (such as structural, functional, and spatial information, amino acid conservation, physicochemical variation, residue mobility, and thermodynamic stability) performed at Invitae indicates that this missense variant is not expected to disrupt APC protein function with a negative predictive value of 95%. In summary, the available evidence is currently insufficient to determine the role of this variant in disease. Therefore, it has been classified as a Variant of Uncertain Significance.